The following is an entry in ClinVar:

NM_000321.3(RB1):c.1351_1354del (p.Arg451fs)

Gene: RB1 (RB transcriptional corepressor 1; plus strand). Cytogenetic location: 13q14.2.
Variant type: Deletion.
Coding change: c.1351_1354del on transcript NM_000321.3 (MANE Select); coding-DNA positions 1351 to 1354, 4 bases deleted (CGCT; older notation c.1351_1354delCGCT).
Protein change: p.Arg451fs; shifts the reading frame from arginine 451.
Molecular consequence: frameshift variant.
Genome position (GRCh38, 1-based): chr13:48,379,612-48,379,615, CGCT deleted; deleting any 4 consecutive bases within chr13:48,379,611-48,379,615 gives the same sequence; the c. name uses the placement nearest the transcript's 3' end. VCF-style (leftmost placement, unchanged base first): chr13-48379610-TTCGC-T. GRCh37 (hg19) VCF-style: chr13-48953746-TTCGC-T.
Other names: c.1351_1354del, p.Arg451fs (NM_001407165.1, NM_001407166.1); short protein forms R451fs.
Identifiers: ClinVar variation 3236975 (VCV003236975.1), dbSNP rs2542202847.
Genomic context (GRCh38, chr13:48,379,610, plus strand): 5'-TTCTAAAATAGCAGGCTCTTATTTTTCTTTTTGTTTGTTTGTAGCGATACAAACTTGGAG[TTCGC>T]TTGTATTACCGAGTAATGGAATCCATGCTTAAATCAGTAAGTTAAAAACAATATAAAAAA-3'

ClinVar aggregate classification (germline): Pathogenic (1 of 4 stars; one submission).

Conditions:
Retinoblastoma (RB1). Also called: RETINOBLASTOMA, SOMATIC. Identifiers: Orphanet 790, MedGen C0035335, MeSH D012175, MONDO:0008380, OMIM 180200, HP:0009919. Disease mechanism: loss of function. Inheritance: Both sporadic and heritable forms are tested..

Submission:

Genetic Diagnostic Laboratory, University of Pennsylvania School of Medicine
Classification: Pathogenic for Retinoblastoma. Last evaluated: 2024-05-20. Review status: criteria provided, single submitter. Criteria: ACMG Guidelines, 2015. Collection method: clinical testing. Allele origin: germline. Affected: yes. Observed: 1 variant allele.
Comment: Case and Pedigree Information: BILATERAL CASES:0, UNILATERAL CASES:1, TOTAL CASES:1, PEDIGREES:1. ACMG Codes Applied:PVS1, PM2